The following is an entry in ClinVar:

ClinVar aggregate classification (germline): Uncertain significance (1 of 4 stars; one submission).

gnomAD v4.1: 3 of 1,550,482 alleles (0.00019%); highest among the groups gnomAD compares: Non-Finnish European, 0.00026%; no homozygotes.

Submission:

Labcorp Genetics (formerly Invitae), Labcorp
Classification: Uncertain significance. Last evaluated: 2024-05-31. Review status: criteria provided, single submitter. Criteria: Invitae Variant Classification Sherloc (09022015). Collection method: clinical testing. Allele origin: germline.
Comment: This sequence change replaces glutamic acid, which is acidic and polar, with lysine, which is basic and polar, at codon 4 of the IRF4 protein (p.Glu4Lys). This variant is not present in population databases (gnomAD no frequency). This variant has not been reported in the literature in individuals affected with IRF4-related conditions. An algorithm developed to predict the effect of missense changes on protein structure and function (PolyPhen-2) suggests that this variant is likely to be tolerated. In summary, the available evidence is currently insufficient to determine the role of this variant in disease. Therefore, it has been classified as a Variant of Uncertain Significance.

NM_002460.4(IRF4):c.10G>A (p.Glu4Lys)

Gene: IRF4 (interferon regulatory factor 4; plus strand). Cytogenetic location: 6p25.3.
Variant type: single nucleotide variant.
Coding change: c.10G>A on transcript NM_002460.4 (MANE Select); coding-DNA position 10, G replaced by A.
Protein change: p.Glu4Lys; replaces glutamic acid 4 with lysine.
Molecular consequence: missense variant. On other transcripts: non-coding transcript variant (1).
Genome position (GRCh38, 1-based): chr6:393,162, G>A. VCF-style: chr6-393162-G-A. GRCh37 (hg19) VCF-style: chr6-393162-G-A.
Other names: c.10G>A, p.Glu4Lys (NM_001195286.2); short protein forms E4K.
Identifiers: ClinVar variation 3651911 (VCV003651911.2).